The following is an entry in ClinVar:

ClinVar aggregate classification (germline): Uncertain significance (1 of 4 stars; one submission).

Conditions:
Developmental and epileptic encephalopathy, 32 (DEE32). Also called: Epileptic encephalopathy, early infantile, 32. Identifiers: Orphanet 442835, MedGen C4225350, MONDO:0014607, OMIM 616366.

Submission:

MVZ Medizinische Genetik Mainz
Classification: Uncertain significance for Developmental and epileptic encephalopathy, 32. Last evaluated: 2022-11-10. Review status: criteria provided, single submitter. Criteria: UK Practice Guidelines For Variant Classification V4 01 2020. Collection method: clinical testing. Allele origin: germline. Inheritance: Autosomal dominant inheritance. Affected: yes. Observed: 1 variant allele.
Comment: ACMG Criteria: PM2_SUP, PP2, PP3

NM_004974.4(KCNA2):c.542G>A (p.Cys181Tyr)

Gene: KCNA2 (potassium voltage-gated channel subfamily A member 2; minus strand). Cytogenetic location: 1p13.3.
Variant type: single nucleotide variant.
Coding change: c.542G>A on transcript NM_004974.4 (MANE Select); coding-DNA position 542, G replaced by A.
Protein change: p.Cys181Tyr; replaces cysteine 181 with tyrosine.
Molecular consequence: missense variant.
Genome position (GRCh38, 1-based): chr1:110,604,241, C>T on the plus strand (G>A on the coding strand, the complement: KCNA2 is on the minus strand). VCF-style: chr1-110604241-C-T. GRCh37 (hg19) VCF-style: chr1-111146863-C-T.
Other names: c.542G>A, p.Cys181Tyr (NM_001204269.2); short protein forms C181Y.
Identifiers: ClinVar variation 3234093 (VCV003234093.1), dbSNP rs1204552776, ClinGen allele CA341603765.